The following is an entry in ClinVar:

NM_001363711.2(DUOX2):c.4507C>A (p.Gln1503Lys)

Gene: DUOX2 (dual oxidase 2; minus strand). Cytogenetic location: 15q21.1.
Variant type: single nucleotide variant.
Coding change: c.4507C>A on transcript NM_001363711.2 (MANE Select); coding-DNA position 4507, C replaced by A.
Protein change: p.Gln1503Lys; replaces glutamine 1503 with lysine.
Molecular consequence: missense variant.
Genome position (GRCh38, 1-based): chr15:45,094,580, G>T on the plus strand (C>A on the coding strand, the complement: DUOX2 is on the minus strand). VCF-style: chr15-45094580-G-T. GRCh37 (hg19) VCF-style: chr15-45386778-G-T.
Other names: c.4507C>A, p.Gln1503Lys (NM_014080.5); short protein forms Q1503K.
Identifiers: ClinVar variation 3893617 (VCV003893617.1).

ClinVar aggregate classification (germline): Uncertain significance (1 of 4 stars; one submission).

gnomAD v4.1: 2 of 1,613,876 alleles (0.00012%); highest among the groups gnomAD compares: African/African-American, 0.0013%; no homozygotes.

Submission:

GeneDx
Classification: Uncertain significance. Last evaluated: 2024-10-25. Review status: criteria provided, single submitter. Criteria: GeneDx Variant Classification Process June 2021. Collection method: clinical testing. Allele origin: germline. Affected: yes.
Comment: Not observed at significant frequency in large population cohorts (gnomAD); In silico analysis supports that this missense variant has a deleterious effect on protein structure/function; Has not been previously published as pathogenic or benign to our knowledge